The following is an entry in ClinVar:

ClinVar aggregate classification (germline): Uncertain significance (1 of 4 stars; one submission).

Conditions:
Dilated cardiomyopathy 1J (CMD1J). Also called: CARDIOMYOPATHY, DILATED, WITH SENSORINEURAL HEARING LOSS, AUTOSOMAL DOMINANT. Identifiers: Orphanet 217622, MedGen C1854368, MONDO:0011541, OMIM 605362.

Submission:

Labcorp Genetics (formerly Invitae), Labcorp
Classification: Uncertain significance for Dilated cardiomyopathy 1J. Last evaluated: 2023-10-14. Review status: criteria provided, single submitter. Criteria: Invitae Variant Classification Sherloc (09022015). Collection method: clinical testing. Allele origin: germline.
Comment: This sequence change replaces aspartic acid, which is acidic and polar, with histidine, which is basic and polar, at codon 46 of the EYA4 protein (p.Asp46His). This variant is not present in population databases (gnomAD no frequency). This variant has not been reported in the literature in individuals affected with EYA4-related conditions. An algorithm developed to predict the effect of missense changes on protein structure and function (PolyPhen-2) suggests that this variant is likely to be disruptive. In summary, the available evidence is currently insufficient to determine the role of this variant in disease. Therefore, it has been classified as a Variant of Uncertain Significance.

NM_004100.5(EYA4):c.136G>C (p.Asp46His)

Gene: EYA4 (EYA transcriptional coactivator and phosphatase 4; plus strand). Cytogenetic location: 6q23.2.
Variant type: single nucleotide variant.
Coding change: c.136G>C on transcript NM_004100.5 (MANE Select); coding-DNA position 136, G replaced by C.
Protein change: p.Asp46His; replaces aspartic acid 46 with histidine.
Molecular consequence: missense variant.
Genome position (GRCh38, 1-based): chr6:133,446,682, G>C. VCF-style: chr6-133446682-G-C. GRCh37 (hg19) VCF-style: chr6-133767820-G-C.
Other names: c.136G>C, p.Asp46His (NM_001301012.2, NM_001301013.2, NM_001370458.1 and 3 more transcripts); short protein forms D46H.
Identifiers: ClinVar variation 2851491 (VCV002851491.3), dbSNP rs2534338537, ClinGen allele CA365838015.